The following is an entry in ClinVar:

ClinVar aggregate classification (germline): Uncertain significance. Review status: reviewed by expert panel (3 of 4 stars). 3 submissions from 3 submitters: Uncertain significance (1). 2 of the submissions do not count toward it. Last evaluated 2020-07-02.

Conditions:
Phenylketonuria (PKU). Also called: Phenylketonuria (PKU); FOLLING DISEASE; OLIGOPHRENIA PHENYLPYRUVICA; Phenylketonurias. Identifiers: Orphanet 716, MedGen C0031485, MONDO:0009861, OMIM 261600. Disease mechanism: loss of function.

Submissions (3):

ClinGen PAH Variant Curation Expert Panel
Classification: Uncertain significance for Phenylketonuria. Last evaluated: 2020-07-02. Review status: reviewed by expert panel. Criteria: ClinGen PAH ACMG Specifications v1. Collection method: curation. Allele origin: germline. Inheritance: Autosomal recessive inheritance.
Comment: The c.441+6T>C variant in PAH has been reported before in the homozygous state in a patient with PKU and BH4 deficiency excluded (PMID: 21147011). It is absent in population databases. Multiple lines of computational evidence support a deleterious effect (MaxENT, Splice AI, dbsSNV Ada, and RF). In summary, this variant meets criteria to be classified as uncertain significance for PAH. PAH-specific ACMG/AMP criteria applied: PP4_Moderate, PM2, PP3.

Labcorp Genetics (formerly Invitae), Labcorp
Classification: Pathogenic for Phenylketonuria. Last evaluated: 2024-09-10. Review status: criteria provided, single submitter. Criteria: Invitae Variant Classification Sherloc (09022015). Collection method: clinical testing. Allele origin: germline. Not counted in ClinVar's aggregate classification.
Comment: This sequence change falls in intron 4 of the PAH gene. It does not directly change the encoded amino acid sequence of the PAH protein. It affects a nucleotide within the consensus splice site. This variant is not present in population databases (gnomAD no frequency). This variant has been observed in individual(s) with hyperphenylalaninemia (PMID: 32668217; internal data). In at least one individual the data is consistent with being in trans (on the opposite chromosome) from a pathogenic variant. ClinVar contains an entry for this variant (Variation ID: 102675). Variants that disrupt the consensus splice site are a relatively common cause of aberrant splicing (PMID: 17576681, 9536098). Algorithms developed to predict the effect of sequence changes on RNA splicing suggest that this variant may disrupt the consensus splice site. This variant disrupts the c.441+6T nucleotide in the PAH gene. Other variant(s) that disrupt this nucleotide have been determined to be pathogenic (PMID: 22526846, 23357515). This suggests that this nucleotide is clinically significant, and that variants that disrupt this position are likely to be disease-causing. For these reasons, this variant has been classified as Pathogenic.

DeBelle Laboratory for Biochemical Genetics, MUHC/MCH RESEARCH INSTITUTE
No classification provided. Review status: no classification provided. Collection method: not provided. Allele origin: not provided. Not counted in ClinVar's aggregate classification.

Literature cited by the submitters: PubMed 21147011 (cited by ClinGen PAH Variant Curation Expert Panel); PubMed 32668217 (cited by Labcorp Genetics (formerly Invitae), Labcorp); PubMed 17576681 (cited by Labcorp Genetics (formerly Invitae), Labcorp); PubMed 9536098 (cited by Labcorp Genetics (formerly Invitae), Labcorp); PubMed 22526846 (cited by Labcorp Genetics (formerly Invitae), Labcorp); PubMed 23357515 (cited by Labcorp Genetics (formerly Invitae), Labcorp).

NM_000277.3(PAH):c.441+6T>C

Gene: PAH (phenylalanine hydroxylase; minus strand). Cytogenetic location: 12q23.2.
Variant type: single nucleotide variant.
Coding change: c.441+6T>C on transcript NM_000277.3 (MANE Select); 6 bases into the intron after coding-DNA position 441, T replaced by C.
Molecular consequence: intron variant.
Genome position (GRCh38, 1-based): chr12:102,877,456, A>G on the plus strand (T>C on the coding strand, the complement: PAH is on the minus strand). VCF-style: chr12-102877456-A-G. GRCh37 (hg19) VCF-style: chr12-103271234-A-G.
Other names: NM_000277.2(PAH):c.441+6T>C; c.441+6T>C (NM_001354304.2).
Identifiers: ClinVar variation 102675 (VCV000102675.7), dbSNP rs199475698, ClinGen allele CA229549.